The following is an entry in ClinVar:

Single allele

Genes: LINC02890 (long intergenic non-protein coding RNA 2890; minus strand), NPIPB5 (nuclear pore complex interacting protein family member B5), LOC130058647 (ATAC-STARR-seq lymphoblastoid silent region 7270), LOC130058648 (ATAC-STARR-seq lymphoblastoid active region 10574; plus strand). Cytogenetic location: 16p12.2.
Variant type: Deletion.
Identifiers: ClinVar variation 157360 (VCV000157360.2).

ClinVar aggregate classification (germline): not provided (0 of 4 stars; one submission).

Conditions:
Small for gestational age. Also called: Low birth weight. Identifiers: MedGen C0235991, HP:0001518.

Submission:

Institute of Molecular and Cell Biology, University of Tartu
No classification provided. Condition: Small for gestational age. Review status: no classification provided. Collection method: case-control. Allele origin: unknown. Affected: yes. Study: Kasak2014.
Comment: The study aimed to determine the contribution of copy number variants in the genetic etiology of normal and complicated pregnancies. The samples represented (i) maternal blood DNA drawn from healthy pregnant women during 1st or 2nd trimester and (ii) maternal and paternal blood DNA drawn at term pregnancy cases representing normal and complicated gestations (severe preeclampsia, PE; gestational diabetes, GD; small-for-gestational age newborn, SGA; large-for-gestational age newborn, LGA). We performed CNV calling based on genome-wide genotyping dataset (Illumina HumanOmniExpress-24-v1 BeadChip) by applying three algorithms, QuantiSNP, GADA (Genome Alteration Detection Algorithm) and CNstream in parallel. The acquired CNV calls were merged with HD-CNV (Hotspot Detector for Copy Number Variants) program and only the CNVs predicted by at least two programs, were considered in subsequent analysis.

Literature cited by the submitters: PubMed 25666259.